The following is an entry in ClinVar:

NM_000243.3(MEFV):c.128G>A (p.Ser43Asn)

Gene: MEFV (MEFV innate immunity regulator, pyrin; minus strand). Cytogenetic location: 16p13.3.
Variant type: single nucleotide variant.
Coding change: c.128G>A on transcript NM_000243.3 (MANE Select); coding-DNA position 128, G replaced by A.
Protein change: p.Ser43Asn; replaces serine 43 with asparagine.
Molecular consequence: missense variant.
Genome position (GRCh38, 1-based): chr16:3,256,460, C>T on the plus strand (G>A on the coding strand, the complement: MEFV is on the minus strand). VCF-style: chr16-3256460-C-T. GRCh37 (hg19) VCF-style: chr16-3306460-C-T.
Other names: p.Ser43Asn; c.128G>A (NM_000243.2); c.128G>A, p.Ser43Asn (NM_001198536.2); short protein forms S43N.
Identifiers: ClinVar variation 807966 (VCV000807966.42), dbSNP rs769518848, ClinGen allele CA7860528.

ClinVar aggregate classification (germline): Uncertain significance. Review status: criteria provided, multiple submitters, no conflicts (2 of 4 stars). 3 submissions from 3 submitters: Uncertain significance (3). Last evaluated 2025-12-06.

Conditions:
MEFV-related disorder. Also called: MEFV-related disorders; MEFV-related condition.

Allele frequency attached by ClinVar (database versions not stated): gnomAD exomes 0.00001 and 0.00002; ExAC 0.00003.

Submissions (3):

Mayo Clinic Laboratories, Mayo Clinic
Classification: Uncertain significance. Last evaluated: 2025-12-06. Review status: criteria provided, single submitter. Criteria: ACMG Guidelines, 2015. Collection method: clinical testing. Allele origin: germline. Observed: 1 variant allele.
Comment: BP4_moderate

PreventionGenetics, part of Exact Sciences
Classification: Uncertain significance for MEFV-related condition. Last evaluated: 2023-04-21. Review status: criteria provided, single submitter. Criteria: ACMG Guidelines, 2015. Collection method: clinical testing. Allele origin: germline.
Comment: The MEFV c.128G>A variant is predicted to result in the amino acid substitution p.Ser43Asn. To our knowledge, this variant has not been reported in the literature. This variant is reported in 0.0053% of alleles in individuals of European (Non-Finnish) descent in gnomAD. At this time, the clinical significance of this variant is uncertain due to the absence of conclusive functional and genetic evidence.

CeGaT Center for Human Genetics Tuebingen
Classification: Uncertain significance. Last evaluated: 2018-12-01. Review status: criteria provided, single submitter. Criteria: CeGaT Center For Human Genetics Tuebingen Variant Classification Criteria Version 2. Collection method: clinical testing. Allele origin: germline. Affected: yes. Observed: 1 variant allele.